The following is an entry in ClinVar:

NM_005902.4(SMAD3):c.160G>A (p.Ala54Thr)

Gene: SMAD3 (SMAD family member 3; plus strand). Cytogenetic location: 15q22.33.
Variant type: single nucleotide variant.
Coding change: c.160G>A on transcript NM_005902.4 (MANE Select); coding-DNA position 160, G replaced by A.
Protein change: p.Ala54Thr; replaces alanine 54 with threonine.
Molecular consequence: missense variant.
Genome position (GRCh38, 1-based): chr15:67,066,314, G>A. VCF-style: chr15-67066314-G-A. GRCh37 (hg19) VCF-style: chr15-67358652-G-A.
Other names: short protein forms A54T.
Identifiers: ClinVar variation 1449335 (VCV001449335.6), dbSNP rs2140189075, ClinGen allele CA393203025.

ClinVar aggregate classification (germline): Uncertain significance (1 of 4 stars; one submission).

Conditions:
Familial thoracic aortic aneurysm and aortic dissection (TAAD). Also called: Thoracic aortic aneurysms and dissections. Identifiers: Orphanet 91387, MedGen C4707243, MONDO:0019625.

Submission:

Labcorp Genetics (formerly Invitae), Labcorp
Classification: Uncertain significance for Familial thoracic aortic aneurysm and aortic dissection. Last evaluated: 2025-12-06. Review status: criteria provided, single submitter. Criteria: Invitae Variant Classification Sherloc (09022015). Collection method: clinical testing. Allele origin: germline.
Comment: This sequence change replaces alanine, which is neutral and non-polar, with threonine, which is neutral and polar, at codon 54 of the SMAD3 protein (p.Ala54Thr). This variant is not present in population databases (gnomAD no frequency). This variant has not been reported in the literature in individuals affected with SMAD3-related conditions. ClinVar contains an entry for this variant (Variation ID: 1449335). Invitae Evidence Modeling of protein sequence and biophysical properties (such as structural, functional, and spatial information, amino acid conservation, physicochemical variation, residue mobility, and thermodynamic stability) indicates that this missense variant is not expected to disrupt SMAD3 protein function with a negative predictive value of 80%. In summary, the available evidence is currently insufficient to determine the role of this variant in disease. Therefore, it has been classified as a Variant of Uncertain Significance.